The following is an entry in ClinVar:

NM_000069.3(CACNA1S):c.2885A>G (p.Lys962Arg)

Gene: CACNA1S (calcium voltage-gated channel subunit alpha1 S; minus strand). Cytogenetic location: 1q32.1.
Variant type: single nucleotide variant.
Coding change: c.2885A>G on transcript NM_000069.3 (MANE Select); coding-DNA position 2885, A replaced by G.
Protein change: p.Lys962Arg; replaces lysine 962 with arginine.
Molecular consequence: missense variant.
Genome position (GRCh38, 1-based): chr1:201,062,483, T>C on the plus strand (A>G on the coding strand, the complement: CACNA1S is on the minus strand). VCF-style: chr1-201062483-T-C. GRCh37 (hg19) VCF-style: chr1-201031611-T-C.
Other names: short protein forms K962R.
Identifiers: ClinVar variation 3073707 (VCV003073707.1), dbSNP rs1242698995, ClinGen allele CA344164592.

ClinVar aggregate classification (germline): Uncertain significance (1 of 4 stars; one submission).

Conditions:
Malignant hyperthermia, susceptibility to, 5 (MHS5). Also called: CACNA1S-Related Malignant Hyperthermia Susceptibility. Identifiers: Orphanet 423, MedGen C1866077, MONDO:0011163, OMIM 601887.

Allele frequency attached by ClinVar (database versions not stated): gnomAD 0.00001.
gnomAD v4.1: 5 of 1,613,874 alleles (0.00031%); highest among the groups gnomAD compares: African/African-American, 0.0013%; no homozygotes.

Submission:

All of Us Research Program, National Institutes of Health
Classification: Uncertain significance for Malignant hyperthermia, susceptibility to, 5. Last evaluated: 2023-10-06. Review status: criteria provided, single submitter. Criteria: ACMG Guidelines, 2015. Collection method: clinical testing. Allele origin: germline. Inheritance: Autosomal dominant inheritance. Observed: 1 variant allele, 1 heterozygote.
Comment: This missense variant replaces lysine with arginine at codon 962 of the CACNA1S protein. Computational prediction suggests that this variant may have deleterious impact on protein structure and function (internally defined REVEL score threshold >= 0.7, PMID: 27666373). To our knowledge, functional studies have not been reported for this variant. This variant has not been reported in individuals affected with CACNA1S-related disorders in the literature. This variant has been identified in 1/251400 chromosomes in the general population by the Genome Aggregation Database (gnomAD). The available evidence is insufficient to determine the role of this variant in disease conclusively. Therefore, this variant is classified as a Variant of Uncertain Significance.

This study involves interpretation of variants in research participants for the purpose of population health screening. Participant phenotype was not available at the time of variant classification. Additional details can be found in publication PMID: 35346344, PMCID: PMC8962531